The following is an entry in ClinVar:

NM_007363.5(NONO):c.457C>T (p.Arg153Ter)

Gene: NONO (non-POU domain containing octamer binding; plus strand). Cytogenetic location: Xq13.1.
Variant type: single nucleotide variant.
Coding change: c.457C>T on transcript NM_007363.5 (MANE Select); coding-DNA position 457, C replaced by T.
Protein change: p.Arg153Ter; replaces arginine 153 with a stop codon.
Molecular consequence: nonsense.
Genome position (GRCh38, 1-based): chrX:71,294,335, C>T. VCF-style: chrX-71294335-C-T. GRCh37 (hg19) VCF-style: chrX-70514185-C-T.
Other names: c.457C>T, p.Arg153Ter (NM_001145409.2, NM_001145408.2); c.190C>T, p.Arg64Ter (NM_001145410.2); short protein forms R64*, R153*.
Identifiers: ClinVar variation 833999 (VCV000833999.3), dbSNP rs2031389522, ClinGen allele CA413540931.

ClinVar aggregate classification (germline): Pathogenic (1 of 4 stars; one submission).

Conditions:
Intellectual developmental disorder, X-linked, syndromic 34. Also called: Syndromic X-linked intellectual disability 34; MENTAL RETARDATION, X-LINKED, SYNDROMIC, MIRCSOF-LANGOUET TYPE. Identifiers: Orphanet 466791, MedGen C4225417, MONDO:0010501, OMIM 300967.

Submission:

Daryl Scott Lab, Baylor College of Medicine
Classification: Pathogenic for Intellectual developmental disorder, X-linked, syndromic 34. Last evaluated: 2019-07-01. Review status: criteria provided, single submitter. Criteria: Sewani et al. (Am J Med Genet A. 2020). Collection method: clinical testing. Allele origin: de novo. Inheritance: Sporadic. Affected: yes. Observed: 1 hemizygote.